The following is an entry in ClinVar:

ClinVar aggregate classification (germline): Uncertain significance. Review status: criteria provided, multiple submitters, no conflicts (2 of 4 stars). 3 submissions from 3 submitters: Uncertain significance (3). Last evaluated 2025-12-24.

Conditions:
Fanconi anemia complementation group P. Also called: SLX4-Related Fanconi Anemia. Identifiers: Orphanet 84, MedGen C3469542, MONDO:0013499, OMIM 613951.
Inborn genetic diseases. Identifiers: MedGen C0950123, MeSH D030342.
Fanconi anemia (FA). Also called: Fanconi's anemia. Identifiers: Orphanet 84, MedGen C0015625, MeSH D005199, MONDO:0019391.

Allele frequency attached by ClinVar (database versions not stated): ExAC 0.00001; gnomAD exomes 0.00002 and 0.00003; gnomAD 0.00003 and 0.00004; TOPMed 0.00003; ESP Exome Variant Server 0.00008.
gnomAD v4.1: 52 of 1,613,812 alleles (0.0032%); highest among the groups gnomAD compares: African/African-American, 0.004%; no homozygotes.

Submissions (3):

Labcorp Genetics (formerly Invitae), Labcorp
Classification: Uncertain significance for Fanconi anemia. Last evaluated: 2025-12-24. Review status: criteria provided, single submitter. Criteria: Invitae Variant Classification Sherloc (09022015). Collection method: clinical testing. Allele origin: germline.
Comment: This sequence change replaces proline, which is neutral and non-polar, with leucine, which is neutral and non-polar, at codon 1317 of the SLX4 protein (p.Pro1317Leu). This variant is present in population databases (rs375172024, gnomAD 0.004%). This variant has not been reported in the literature in individuals affected with SLX4-related conditions. ClinVar contains an entry for this variant (Variation ID: 1059776). An algorithm developed to predict the effect of missense changes on protein structure and function (PolyPhen-2) suggests that this variant is likely to be tolerated. In summary, the available evidence is currently insufficient to determine the role of this variant in disease. Therefore, it has been classified as a Variant of Uncertain Significance.

Ambry Genetics
Classification: Uncertain significance for Inborn genetic diseases. Last evaluated: 2025-07-15. Review status: criteria provided, single submitter. Criteria: Ambry Variant Classification Scheme 2023. Collection method: clinical testing. Allele origin: germline.

Fulgent Genetics
Classification: Uncertain significance for Fanconi anemia complementation group P. Last evaluated: 2021-11-09. Review status: criteria provided, single submitter. Criteria: ACMG Guidelines, 2015. Collection method: clinical testing. Allele origin: unknown.

NM_032444.4(SLX4):c.3950C>T (p.Pro1317Leu)

Gene: SLX4 (SLX4 structure-specific endonuclease subunit; minus strand). Cytogenetic location: 16p13.3.
Variant type: single nucleotide variant.
Coding change: c.3950C>T on transcript NM_032444.4 (MANE Select); coding-DNA position 3950, C replaced by T.
Protein change: p.Pro1317Leu; replaces proline 1317 with leucine.
Molecular consequence: missense variant.
Genome position (GRCh38, 1-based): chr16:3,589,688, G>A on the plus strand (C>T on the coding strand, the complement: SLX4 is on the minus strand). VCF-style: chr16-3589688-G-A. GRCh37 (hg19) VCF-style: chr16-3639689-G-A.
Other names: c.3950C>T (NM_032444.2); short protein forms P1317L.
Identifiers: ClinVar variation 1059776 (VCV001059776.10), dbSNP rs375172024, ClinGen allele CA7865781.